The following is an entry in ClinVar:

ClinVar aggregate classification (germline): Uncertain significance (1 of 4 stars; one submission).

gnomAD v4.1: 5 of 1,584,212 alleles (0.00032%); highest among the groups gnomAD compares: Middle Eastern, 0.017%; no homozygotes.

Submission:

Labcorp Genetics (formerly Invitae), Labcorp
Classification: Uncertain significance. Last evaluated: 2021-08-31. Review status: criteria provided, single submitter. Criteria: Invitae Variant Classification Sherloc (09022015). Collection method: clinical testing. Allele origin: germline.
Comment: In summary, the available evidence is currently insufficient to determine the role of this variant in disease. Therefore, it has been classified as a Variant of Uncertain Significance. Algorithms developed to predict the effect of missense changes on protein structure and function output the following: SIFT: "Deleterious"; PolyPhen-2: "Benign"; Align-GVGD: "Class C0". The threonine amino acid residue is found in multiple mammalian species, which suggests that this missense change does not adversely affect protein function. This variant has not been reported in the literature in individuals affected with FSCN2-related conditions. This variant is not present in population databases (ExAC no frequency). This sequence change replaces proline with threonine at codon 370 of the FSCN2 protein (p.Pro370Thr). The proline residue is weakly conserved and there is a small physicochemical difference between proline and threonine.

NM_012418.4(FSCN2):c.1106-70C>A

Gene: FSCN2 (fascin actin-bundling protein 2, retinal; plus strand). Cytogenetic location: 17q25.3.
Variant type: single nucleotide variant.
Coding change: c.1106-70C>A on transcript NM_012418.4 (MANE Select); 70 bases into the intron before coding-DNA position 1106, C replaced by A.
Molecular consequence: intron variant. On other transcripts: missense variant (1).
Genome position (GRCh38, 1-based): chr17:81,536,552, C>A. VCF-style: chr17-81536552-C-A. GRCh37 (hg19) VCF-style: chr17-79503578-C-A.
Other names: c.1108C>A, p.Pro370Thr (NM_001077182.3); short protein forms P370T.
Identifiers: ClinVar variation 1378918 (VCV001378918.6), dbSNP rs770639924, ClinGen allele CA401477239.
Genomic context (GRCh38, chr17:81,536,552, plus strand): 5'-GCCGCACATGAGGCAATGGCAGGCCTGGGTCCCTAAGTCCAGGTGTGGCGTTTCCCAGGG[C>A]CCCCACCCCGCCCGGCCTGGACAGGGAAGGTGGCGGGAGGGGCAGCGCAGCAGACGCTCT-3'